The following is an entry in ClinVar:

ClinVar aggregate classification (germline): Uncertain significance. Review status: criteria provided, multiple submitters, no conflicts (2 of 4 stars). 2 submissions from 2 submitters: Uncertain significance (2). Last evaluated 2024-12-30.

Conditions:
Inborn genetic diseases. Identifiers: MedGen C0950123, MeSH D030342.

gnomAD v4.1: 51 of 1,607,756 alleles (0.0032%); highest among the groups gnomAD compares: Non-Finnish European, 0.004%; no homozygotes.

Submissions (2):

Ambry Genetics
Classification: Uncertain significance for Inborn genetic diseases. Last evaluated: 2024-12-30. Review status: criteria provided, single submitter. Criteria: Ambry Variant Classification Scheme 2023. Collection method: clinical testing. Allele origin: germline.

Labcorp Genetics (formerly Invitae), Labcorp
Classification: Uncertain significance. Last evaluated: 2022-05-21. Review status: criteria provided, single submitter. Criteria: Invitae Variant Classification Sherloc (09022015). Collection method: clinical testing. Allele origin: germline.
Comment: In summary, the available evidence is currently insufficient to determine the role of this variant in disease. Therefore, it has been classified as a Variant of Uncertain Significance. Algorithms developed to predict the effect of missense changes on protein structure and function (SIFT, PolyPhen-2, Align-GVGD) all suggest that this variant is likely to be tolerated. This variant has not been reported in the literature in individuals affected with DIP2C-related conditions. This variant is present in population databases (no rsID available, gnomAD 0.003%). This sequence change replaces isoleucine, which is neutral and non-polar, with phenylalanine, which is neutral and non-polar, at codon 1125 of the DIP2C protein (p.Ile1125Phe).

NM_014974.3(DIP2C):c.3373A>T (p.Ile1125Phe)

Genes: DIP2C (DIP2 acetate--CoA ligase C (putative); minus strand), LOC126860805 (BRD4-independent group 4 enhancer GRCh37_chr10:390524-391723; plus strand). Cytogenetic location: 10p15.3.
Variant type: single nucleotide variant.
Coding change: c.3373A>T on transcript NM_014974.3 (MANE Select); coding-DNA position 3373, A replaced by T.
Protein change: p.Ile1125Phe; replaces isoleucine 1125 with phenylalanine.
Molecular consequence: missense variant.
Genome position (GRCh38, 1-based): chr10:344,889, T>A on the plus strand (A>T on the coding strand, the complement: DIP2C is on the minus strand). VCF-style: chr10-344889-T-A. GRCh37 (hg19) VCF-style: chr10-390829-T-A.
Other names: c.3373A>T (NM_014974.2); short protein forms I1125F.
Identifiers: ClinVar variation 1927414 (VCV001927414.6), dbSNP rs746986260, ClinGen allele CA201908252.